The following is an entry in ClinVar:

NM_006118.4(HAX1):c.739A>T (p.Ser247Cys)

Gene: HAX1 (HCLS1 associated protein X-1; plus strand). Cytogenetic location: 1q21.3.
Variant type: single nucleotide variant.
Coding change: c.739A>T on transcript NM_006118.4 (MANE Select); coding-DNA position 739, A replaced by T.
Protein change: p.Ser247Cys; replaces serine 247 with cysteine.
Molecular consequence: missense variant.
Genome position (GRCh38, 1-based): chr1:154,275,468, A>T. VCF-style: chr1-154275468-A-T. GRCh37 (hg19) VCF-style: chr1-154247944-A-T.
Other names: c.595A>T, p.Ser199Cys (NM_001018837.2); short protein forms S199C, S247C.
Identifiers: ClinVar variation 4621347 (VCV004621347.1).

ClinVar aggregate classification (germline): Uncertain significance (1 of 4 stars; one submission).

Conditions:
Inborn genetic diseases. Identifiers: MedGen C0950123, MeSH D030342.

gnomAD v4.1: 1 of 1,614,014 alleles (0.000062%); highest among the groups gnomAD compares: Admixed American, 0.0017%; no homozygotes.

Submission:

Ambry Genetics
Classification: Uncertain significance for Inborn genetic diseases. Last evaluated: 2025-12-11. Review status: criteria provided, single submitter. Criteria: Ambry Variant Classification Scheme 2023. Collection method: clinical testing. Allele origin: germline.
Comment: The p.S247C variant (also known as c.739A>T), located in coding exon 6 of the HAX1 gene, results from an A to T substitution at nucleotide position 739. The serine at codon 247 is replaced by cysteine, an amino acid with dissimilar properties. This amino acid position is conserved. In addition, this alteration is predicted to be tolerated by in silico analysis. Based on the available evidence, the clinical significance of this variant remains unclear.